The following is an entry in ClinVar:

NM_000051.4(ATM):c.7620C>T (p.Val2540=)

Genes: ATM (ATM serine/threonine kinase; plus strand), C11orf65 (chromosome 11 open reading frame 65; minus strand). Cytogenetic location: 11q22.3.
Variant type: single nucleotide variant.
Coding change: c.7620C>T on transcript NM_000051.4 (MANE Select); coding-DNA position 7620, C replaced by T.
Protein change: p.Val2540=; no amino-acid change (valine 2540 retained).
Molecular consequence: synonymous variant. On other transcripts: non-coding transcript variant (1), intron variant (2).
Genome position (GRCh38, 1-based): chr11:108,331,548, C>T. VCF-style: chr11-108331548-C-T. GRCh37 (hg19) VCF-style: chr11-108202275-C-T.
Other names: c.7620C>T, p.Val2540= (NM_001351834.2); c.641-22477G>A (NM_001330368.2); c.*38+3672G>A (NM_001351110.2).
Identifiers: ClinVar variation 490703 (VCV000490703.35), dbSNP rs863224298, ClinGen allele CA476677084.

ClinVar aggregate classification (germline): Benign/Likely benign. Review status: criteria provided, multiple submitters, no conflicts (2 of 4 stars). 5 submissions from 5 submitters: Benign (1); Likely benign (4). Last evaluated 2025-05-12.

Conditions:
Hereditary cancer-predisposing syndrome. Also called: Hereditary Cancer Syndrome; Neoplastic Syndromes, Hereditary; Tumor predisposition; Hereditary neoplastic syndrome. Identifiers: Orphanet 140162, MedGen C0027672, MeSH D009386, MONDO:0015356.
Familial cancer of breast. Also called: BREAST CANCER, FAMILIAL; Hereditary breast cancer; hereditary breast carcinoma. Identifiers: Orphanet 227535, MedGen C0346153, MONDO:0016419, OMIM 114480. Disease mechanism: loss of function.
Ataxia-telangiectasia syndrome (AT). Also called: Cerebello-oculocutaneous telangiectasia; Immunodeficiency with ataxia telangiectasia; Ataxia-telangiectasia, complementation group E; Ataxia-telangiectasia, complementation group D; AT, COMPLEMENTATION GROUP C; ATAXIA-TELANGIECTASIA, COMPLEMENTATION GROUP A. Identifiers: Orphanet 100, MedGen C0004135, MONDO:0008840, OMIM 208900.

Allele frequency attached by ClinVar (database versions not stated): gnomAD 0.00001.
gnomAD v4.1: 8 of 1,610,768 alleles (0.0005%); highest among the groups gnomAD compares: Non-Finnish European, 0.00068%; no homozygotes.

Submissions (5):

Labcorp Genetics (formerly Invitae), Labcorp
Classification: Likely benign for Ataxia-telangiectasia syndrome. Last evaluated: 2025-05-12. Review status: criteria provided, single submitter. Criteria: Invitae Variant Classification Sherloc (09022015). Collection method: clinical testing. Allele origin: germline.

Myriad Genetics, Inc.
Classification: Benign for Familial cancer of breast. Last evaluated: 2024-06-14. Review status: criteria provided, single submitter. Criteria: Myriad Autosomal Dominant, Autosomal Recessive and X-Linked Classification Criteria (2023). Collection method: clinical testing. Allele origin: unknown.
Comment: This variant is considered benign. This variant is a silent/synonymous amino acid change and it is not expected to impact splicing.

CeGaT Center for Human Genetics Tuebingen
Classification: Likely benign. Last evaluated: 2024-05-01. Review status: criteria provided, single submitter. Criteria: CeGaT Center For Human Genetics Tuebingen Variant Classification Criteria Version 2. Collection method: clinical testing. Allele origin: germline. Affected: yes. Observed: 1 variant allele.
Comment: ATM: BP4, BP7

Ambry Genetics
Classification: Likely benign for Hereditary cancer-predisposing syndrome. Last evaluated: 2017-09-08. Review status: criteria provided, single submitter. Criteria: Ambry Variant Classification Scheme 2023. Collection method: clinical testing. Allele origin: germline.

Color Diagnostics, LLC DBA Color Health
Classification: Likely benign for Hereditary cancer-predisposing syndrome. Last evaluated: 2016-07-25. Review status: criteria provided, single submitter. Criteria: ACMG Guidelines, 2015. Collection method: clinical testing. Allele origin: germline.